The following is an entry in ClinVar:

NM_006031.6(PCNT):c.7690+2_7690+3del

Gene: PCNT (pericentrin; plus strand). Cytogenetic location: 21q22.3.
Variant type: Deletion.
Coding change: c.7690+2_7690+3del on transcript NM_006031.6 (MANE Select); the canonical splice donor site of the intron after coding-DNA position 7690 through 3 bases into the intron after coding-DNA position 7690, 2 bases deleted (TG; older notation c.7690+2_7690+3delTG).
Molecular consequence: splice donor variant.
Genome position (GRCh38, 1-based): chr21:46,428,592-46,428,593, TG deleted; deleting any 2 consecutive bases within chr21:46,428,591-46,428,593 gives the same sequence; the c. name uses the placement nearest the transcript's 3' end. VCF-style (leftmost placement, unchanged base first): chr21-46428590-GGT-G. GRCh37 (hg19) VCF-style: chr21-47848504-GGT-G.
Other names: c.7336+2_7336+3del (NM_001315529.2).
Identifiers: ClinVar variation 2791067 (VCV002791067.3), dbSNP rs770495481, ClinGen allele CA10080750.

ClinVar aggregate classification (germline): Likely pathogenic (1 of 4 stars; one submission).

Submission:

Labcorp Genetics (formerly Invitae), Labcorp
Classification: Likely pathogenic. Last evaluated: 2023-12-09. Review status: criteria provided, single submitter. Criteria: Invitae Variant Classification Sherloc (09022015). Collection method: clinical testing. Allele origin: germline.
Comment: This sequence change affects a splice site in intron 35 of the PCNT gene. It is expected to disrupt RNA splicing. Variants that disrupt the donor or acceptor splice site typically lead to a loss of protein function (PMID: 16199547), and loss-of-function variants in PCNT are known to be pathogenic (PMID: 18174396, 22821869). The frequency data for this variant in the population databases is considered unreliable, as metrics indicate poor data quality at this position in the gnomAD database. This variant has not been reported in the literature in individuals affected with PCNT-related conditions. Algorithms developed to predict the effect of sequence changes on RNA splicing suggest that this variant may disrupt the consensus splice site. In summary, the currently available evidence indicates that the variant is pathogenic, but additional data are needed to prove that conclusively. Therefore, this variant has been classified as Likely Pathogenic.

Literature cited by the submitters: PubMed 16199547; PubMed 18174396; PubMed 22821869.